The following is an entry in ClinVar:

ClinVar aggregate classification (germline): Uncertain significance. Review status: criteria provided, multiple submitters, no conflicts (2 of 4 stars). 4 submissions from 4 submitters: Uncertain significance (3). 1 of the submissions does not count toward it. Last evaluated 2022-02-24.

Conditions:
CFTR-related disorder (CFTR-RD). Also called: CFTR-related disorders; CFTR-related condition. Identifiers: MedGen C5924204, MONDO:7770004.
Cystic fibrosis (CF). Also called: MUCOVISCIDOSIS. Identifiers: Orphanet 586, MedGen C0010674, MONDO:0009061, OMIM 219700. Disease mechanism: loss of function.

Submissions (4):

Labcorp Genetics (formerly Invitae), Labcorp
Classification: Uncertain significance for Cystic fibrosis. Last evaluated: 2022-02-24. Review status: criteria provided, single submitter. Criteria: Invitae Variant Classification Sherloc (09022015). Collection method: clinical testing. Allele origin: germline.
Comment: This sequence change replaces methionine, which is neutral and non-polar, with isoleucine, which is neutral and non-polar, at codon 1140 of the CFTR protein (p.Met1140Ile). This variant is not present in population databases (gnomAD no frequency). This variant has not been reported in the literature in individuals affected with CFTR-related conditions. ClinVar contains an entry for this variant (Variation ID: 439076). Algorithms developed to predict the effect of missense changes on protein structure and function (SIFT, PolyPhen-2, Align-GVGD) all suggest that this variant is likely to be tolerated. In summary, the available evidence is currently insufficient to determine the role of this variant in disease. Therefore, it has been classified as a Variant of Uncertain Significance.

Genome-Nilou Lab
Classification: Uncertain significance for Cystic fibrosis. Last evaluated: 2021-09-05. Review status: criteria provided, single submitter. Criteria: ACMG Guidelines, 2015. Collection method: clinical testing. Allele origin: germline. Affected: no.

Quest Diagnostics Nichols Institute San Juan Capistrano
Classification: Uncertain significance. Last evaluated: 2016-11-01. Review status: criteria provided, single submitter. Criteria: Quest Diagnostics criteria. Collection method: clinical testing. Allele origin: germline.

Natera, Inc.
Classification: Uncertain significance for CFTR-related disorders. Last evaluated: 2019-02-18. Review status: no assertion criteria provided. Collection method: clinical testing. Allele origin: germline. Not counted in ClinVar's aggregate classification.

Literature cited by the submitters: PubMed 9922378 (cited by Quest Diagnostics Nichols Institute San Juan Capistrano).

NM_000492.4(CFTR):c.3420G>A (p.Met1140Ile)

Genes: CFTR (CF transmembrane conductance regulator; plus strand), CFTR-AS2 (CFTR antisense RNA 2; minus strand). Cytogenetic location: 7q31.2.
Variant type: single nucleotide variant.
Coding change: c.3420G>A on transcript NM_000492.4 (MANE Select); coding-DNA position 3420, G replaced by A.
Protein change: p.Met1140Ile; replaces methionine 1140 with isoleucine.
Molecular consequence: missense variant.
Genome position (GRCh38, 1-based): chr7:117,614,665, G>A. VCF-style: chr7-117614665-G-A. GRCh37 (hg19) VCF-style: chr7-117254719-G-A.
Other names: short protein forms M1140I.
Identifiers: ClinVar variation 439076 (VCV000439076.11), dbSNP rs1554392775, ClinGen allele CA368993516.
Genomic context (GRCh38, chr7:117,614,665, plus strand): 5'-ATCTATAGGAGAAGGAGAAGGAAGAGTTGGTATTATCCTGACTTTAGCCATGAATATCAT[G>A]AGTACATTGCAGTGGGCTGTAAACTCCAGCATAGATGTGGATAGCTTGGTAAGTCTTATC-3'
Protein context (NP_000483.3, residues 1130-1150): GIILTLAMNI[Met1140Ile]STLQWAVNSS